The following is an entry in ClinVar:

NM_000257.4(MYH7):c.5005G>T (p.Glu1669Ter)

Genes: MHRT (myosin heavy chain associated RNA transcript; plus strand), MYH7 (myosin heavy chain 7; minus strand), LOC126861897 (BRD4-independent group 4 enhancer GRCh37_chr14:23884455-23885654; plus strand). Cytogenetic location: 14q11.2.
Variant type: single nucleotide variant.
Coding change: c.5005G>T on transcript NM_000257.4 (MANE Select); coding-DNA position 5005, G replaced by T.
Protein change: p.Glu1669Ter; replaces glutamic acid 1669 with a stop codon.
Molecular consequence: nonsense. On other transcripts: non-coding transcript variant (1).
Genome position (GRCh38, 1-based): chr14:23,415,781, C>A on the plus strand (G>T on the coding strand, the complement: MYH7 is on the minus strand). VCF-style: chr14-23415781-C-A. GRCh37 (hg19) VCF-style: chr14-23884990-C-A.
Other names: c.5005G>T (LRG_384t1); short protein forms E1669*.
Identifiers: ClinVar variation 449119 (VCV000449119.17), dbSNP rs45620235, ClinGen allele CA257809989.
Genomic context (GRCh38, chr14:23,415,781, plus strand): 5'-GCAACTCCTCCAGCTCAGCCTGCAGCAGGTTGTTGCGCCGCTCCACGATGGCGATGTTCT[C>A]CTTCAGGTCGTCGTTGGCACGGACTGCATCGTCCAGCTGAATCTGGGTGTCCTGAGGATC-3'

ClinVar aggregate classification (germline): Uncertain significance. Review status: criteria provided, multiple submitters, no conflicts (2 of 4 stars). 6 submissions from 6 submitters: Uncertain significance (6). Last evaluated 2025-12-22.

Conditions:
MYH7-related disorder. Also called: MYH7-related condition; MYH7-related disease; MYH7-related disorders.
Cardiovascular phenotype. Identifiers: MedGen CN230736.
Cardiomyopathy (CMYO). Also called: Cardiomyopathies. Identifiers: Orphanet 167848, MedGen C0878544, MONDO:0004994, HP:0001638. Inheritance: Various modes of inheritance.
Hypertrophic cardiomyopathy. Also called: HYPERTROPHIC MYOCARDIOPATHY. Identifiers: Orphanet 217569, MedGen C0007194, MeSH D002312, MONDO:0005045, HP:0001639.

Allele frequency attached by ClinVar (database versions not stated): gnomAD exomes below 0.00001 and 0.00001; TOPMed below 0.00001.
gnomAD v4.1: 14 of 1,614,226 alleles (0.00087%); highest among the groups gnomAD compares: Non-Finnish European, 0.0012%; no homozygotes.

Submissions (6):

Labcorp Genetics (formerly Invitae), Labcorp
Classification: Uncertain significance for Hypertrophic cardiomyopathy. Last evaluated: 2025-12-22. Review status: criteria provided, single submitter. Criteria: Invitae Variant Classification Sherloc (09022015). Collection method: clinical testing. Allele origin: germline.
Comment: This sequence change creates a premature translational stop signal (p.Glu1669*) in the MYH7 gene. It is expected to result in an absent or disrupted protein product. However, the current clinical and genetic evidence is not sufficient to establish whether loss-of-function variants in MYH7 cause disease. This variant is present in population databases (rs45620235, gnomAD 0.0009%). This variant has not been reported in the literature in individuals affected with MYH7-related conditions. ClinVar contains an entry for this variant (Variation ID: 449119). In summary, the available evidence is currently insufficient to determine the role of this variant in disease. Therefore, it has been classified as a Variant of Uncertain Significance.

PreventionGenetics, part of Exact Sciences
Classification: Uncertain significance for MYH7-related condition. Last evaluated: 2025-04-15. Review status: criteria provided, single submitter. Criteria: ACMG Guidelines, 2015. Collection method: clinical testing. Allele origin: germline.
Comment: The MYH7 c.5005G>T variant is predicted to result in premature protein termination (p.Glu1669*). This variant has been reported in an individual from the UK biobank with left ventricular noncompaction (LVNC) and in an individual from a hypertrophic cardiomyopathy (HCM) cohort; another individual from the UK biobank with this variant had a similar ratio of non-compacted to compacted left ventricular myocardium as an age-matched control (Table S9, Mazzarotto et al. 2021. PubMed ID: 33500567; Table S2, Bonaventura et al. 2024. PubMed ID: 38757491). This variant has also been reported in a participant from a biobank study who did not have HCM or a primary myopathy diagnosis (Table S4, Park et al. 2022. PubMed ID: 34542152). This variant is reported in 0.00088% of alleles in individuals of European (Non-Finnish) descent in gnomAD. Although we suspect that this variant may be pathogenic, at this time, the clinical significance of this variant is uncertain due to the absence of conclusive functional and genetic evidence.

Ambry Genetics
Classification: Uncertain significance for Cardiovascular phenotype. Last evaluated: 2024-08-21. Review status: criteria provided, single submitter. Criteria: Ambry Variant Classification Scheme 2023. Collection method: clinical testing. Allele origin: germline.
Comment: The p.E1669* variant (also known as c.5005G>T), located in coding exon 33 of the MYH7 gene, results from a G to T substitution at nucleotide position 5005. This changes the amino acid from a glutamic acid to a stop codon within coding exon 33. This variant has been detected in an individual from a hypertrophic cardiomyopathy cohort, and in individuals with features consistent with noncompaction cardiomyopathy; however, details were limited (Mazzarotto F et al. Genet Med. 2021 May;23(5):856-864; Bonaventura J et al. J Am Heart Assoc. 2024 May;13(10):e033565; Ambry internal data). This alteration is expected to result in loss of function by premature protein truncation or nonsense-mediated mRNA decay. However, loss of function of MYH7 has not been clearly established as a mechanism of disease. Based on the available evidence, the clinical significance of this alteration remains unclear.

GeneDx
Classification: Uncertain significance. Last evaluated: 2024-03-19. Review status: criteria provided, single submitter. Criteria: GeneDx Variant Classification Process June 2021. Collection method: clinical testing. Allele origin: germline. Affected: yes.
Comment: Reported previously in an individual listed as a carrier, no further clinical or segregation information was provided (PMID: 34542152); Not observed at significant frequency in large population cohorts (gnomAD); Nonsense variant predicted to result in protein truncation or nonsense mediated decay in a gene for which loss-of-function is not a known mechanism of disease; This variant is associated with the following publications: (PMID: 34542152)

All of Us Research Program, National Institutes of Health
Classification: Uncertain significance for Cardiomyopathy. Last evaluated: 2023-12-13. Review status: criteria provided, single submitter. Criteria: ACMG Guidelines, 2015. Collection method: clinical testing. Allele origin: germline. Inheritance: Autosomal dominant inheritance. Observed: 2 variant alleles, 2 heterozygotes.
Comment: This variant changes 1 nucleotide in exon 35 of the MYH7 gene, creating a premature translation stop signal. This variant is expected to result in an absent or non-functional protein product. To our knowledge, this variant has not been reported in individuals affected with MYH7-related disorders in the literature. This variant has been identified in 1/251418 chromosomes in the general population by the Genome Aggregation Database (gnomAD). Clinical relevance of loss-of-function MYH7 truncation variants in autosomal dominant cardiovascular disorders is not clearly established. The available evidence is insufficient to determine the role of this variant in disease conclusively. Therefore, this variant is classified as a Variant of Uncertain Significance.

This study involves interpretation of variants in research participants for the purpose of population health screening. Participant phenotype was not available at the time of variant classification. Additional details can be found in publication PMID: 35346344, PMCID: PMC8962531

Color Diagnostics, LLC DBA Color Health
Classification: Uncertain significance for Cardiomyopathy. Last evaluated: 2023-09-01. Review status: criteria provided, single submitter. Criteria: ACMG Guidelines, 2015. Collection method: clinical testing. Allele origin: germline.
Comment: This variant changes 1 nucleotide in exon 35 of the MYH7 gene, creating a premature translation stop signal. This variant is expected to result in an absent or non-functional protein product. To our knowledge, this variant has not been reported in individuals affected with MYH7-related disorders in the literature. This variant has been identified in 1/251418 chromosomes in the general population by the Genome Aggregation Database (gnomAD). Clinical relevance of loss-of-function MYH7 truncation variants in autosomal dominant cardiovascular disorders is not clearly established. The available evidence is insufficient to determine the role of this variant in disease conclusively. Therefore, this variant is classified as a Variant of Uncertain Significance.

Literature cited by the submitters: PubMed 33500567 (cited by Ambry Genetics); PubMed 38757491 (cited by Ambry Genetics).